The following is an entry in ClinVar:

NM_001378457.1(DMXL2):c.8471G>A (p.Arg2824His)

Gene: DMXL2 (Dmx like 2; minus strand). Cytogenetic location: 15q21.2.
Variant type: single nucleotide variant.
Coding change: c.8471G>A on transcript NM_001378457.1 (MANE Select); coding-DNA position 8471, G replaced by A.
Protein change: p.Arg2824His; replaces arginine 2824 with histidine.
Molecular consequence: missense variant. On other transcripts: non-coding transcript variant (2).
Genome position (GRCh38, 1-based): chr15:51,456,121, C>T on the plus strand (G>A on the coding strand, the complement: DMXL2 is on the minus strand). VCF-style: chr15-51456121-C-T. GRCh37 (hg19) VCF-style: chr15-51748318-C-T.
Other names: c.8408G>A, p.Arg2803His (NM_001174116.3); c.6497G>A, p.Arg2166His (NM_001174117.3); c.8468G>A, p.Arg2823His (NM_001378458.1); c.8183G>A, p.Arg2728His (NM_001378459.1); c.6386G>A, p.Arg2129His (NM_001378460.1); c.8405G>A, p.Arg2802His (NM_015263.5); c.8408G>A (NM_001174116.1); short protein forms R2803H, R2823H, R2166H, R2728H, R2802H, R2824H, R2129H.
Identifiers: ClinVar variation 2960037 (VCV002960037.3), dbSNP rs375134611, ClinGen allele CA7561013.
Genomic context (GRCh38, chr15:51,456,121, plus strand): 5'-CTAACCTTGTTGCCTTGTGAATTAAAATATAATCTAGTAACTCTTGCATTGCCAGCTTGA[C>T]GAAAGCAGACAAGTTGCTGAGGCCGCGTCCATTCAAACATTCGTACACTGCCGTCCTGAG-3'
Protein context (NP_001365386.1, residues 2814-2834): WTRPQQLVCF[Arg2824His]QAGNARVTRL

ClinVar aggregate classification (germline): Uncertain significance. Review status: criteria provided, multiple submitters, no conflicts (2 of 4 stars). 2 submissions from 2 submitters: Uncertain significance (2). Last evaluated 2026-06-30.

Conditions:
DMXL2-related disorder. Also called: DMXL2-related condition.

Allele frequency attached by ClinVar (database versions not stated): gnomAD exomes 0.00001; ExAC 0.00002; TOPMed 0.00002; gnomAD 0.00003; ESP Exome Variant Server 0.00008.
gnomAD v4.1: 17 of 1,614,040 alleles (0.0011%); highest among the groups gnomAD compares: African/African-American, 0.004%; no homozygotes.

Submissions (2):

PreventionGenetics, part of Exact Sciences
Classification: Uncertain significance for DMXL2-related condition. Last evaluated: 2026-06-30. Review status: criteria provided, single submitter. Criteria: ACMG Guidelines, 2015. Collection method: clinical testing. Allele origin: germline.
Comment: The DMXL2 c.8408G>A variant is predicted to result in the amino acid substitution p.Arg2803His. To our knowledge, this variant has not been reported in the literature. This variant is reported in 0.0056% of alleles in individuals of Latino descent in gnomAD. At this time, the clinical significance of this variant is uncertain due to the absence of conclusive functional and genetic evidence.

Labcorp Genetics (formerly Invitae), Labcorp
Classification: Uncertain significance. Last evaluated: 2024-10-13. Review status: criteria provided, single submitter. Criteria: Invitae Variant Classification Sherloc (09022015). Collection method: clinical testing. Allele origin: germline.
Comment: This sequence change replaces arginine, which is basic and polar, with histidine, which is basic and polar, at codon 2803 of the DMXL2 protein (p.Arg2803His). This variant is present in population databases (rs375134611, gnomAD 0.006%). This variant has not been reported in the literature in individuals affected with DMXL2-related conditions. An algorithm developed to predict the effect of missense changes on protein structure and function (PolyPhen-2) suggests that this variant is likely to be disruptive. In summary, the available evidence is currently insufficient to determine the role of this variant in disease. Therefore, it has been classified as a Variant of Uncertain Significance.